The following is an entry in ClinVar:

ClinVar aggregate classification (germline): Uncertain significance. Review status: criteria provided, multiple submitters, no conflicts (2 of 4 stars). 5 submissions from 5 submitters: Uncertain significance (4). 1 of the submissions does not count toward it. Last evaluated 2025-04-11.

Conditions:
TUB-related disorder. Also called: TUB-related condition.
Retinal dystrophy and obesity (RDOB). Identifiers: Orphanet 791, MedGen C4015424, MONDO:0014522, OMIM 616188.

Allele frequency attached by ClinVar (database versions not stated): gnomAD exomes 0.00003 and 0.00002; ExAC 0.00005; ESP Exome Variant Server 0.00008; gnomAD 0.00001; TOPMed 0.00002.
gnomAD v4.1: 35 of 1,614,058 alleles (0.0022%); highest among the groups gnomAD compares: South Asian, 0.021%; no homozygotes.

Submissions (5):

GeneDx
Classification: Uncertain significance. Last evaluated: 2025-04-11. Review status: criteria provided, single submitter. Criteria: GeneDx Variant Classification Process June 2021. Collection method: clinical testing. Allele origin: germline. Affected: yes.
Comment: In silico analysis supports that this missense variant has a deleterious effect on protein structure/function; Has not been previously published as pathogenic or benign to our knowledge

Blueprint Genetics
Classification: Uncertain significance. Last evaluated: 2024-09-02. Review status: criteria provided, single submitter. Criteria: ACMG Guidelines, 2015. Collection method: clinical testing. Allele origin: germline.

Genomic Medicine Center of Excellence, King Faisal Specialist Hospital and Research Centre
Classification: Uncertain significance for Retinal dystrophy and obesity. Last evaluated: 2024-04-04. Review status: criteria provided, single submitter. Criteria: ACMG Guidelines, 2015. Collection method: clinical testing. Allele origin: germline.

Labcorp Genetics (formerly Invitae), Labcorp
Classification: Uncertain significance. Last evaluated: 2022-10-13. Review status: criteria provided, single submitter. Criteria: Invitae Variant Classification Sherloc (09022015). Collection method: clinical testing. Allele origin: germline.
Comment: This sequence change replaces proline, which is neutral and non-polar, with leucine, which is neutral and non-polar, at codon 518 of the TUB protein (p.Pro518Leu). This variant is present in population databases (rs369604607, gnomAD 0.02%). This variant has not been reported in the literature in individuals affected with TUB-related conditions. ClinVar contains an entry for this variant (Variation ID: 957947). Algorithms developed to predict the effect of missense changes on protein structure and function (SIFT, PolyPhen-2, Align-GVGD) all suggest that this variant is likely to be disruptive. In summary, the available evidence is currently insufficient to determine the role of this variant in disease. Therefore, it has been classified as a Variant of Uncertain Significance.

PreventionGenetics, part of Exact Sciences
Classification: Uncertain significance for TUB-related condition. Last evaluated: 2024-02-19. Review status: no assertion criteria provided. Collection method: clinical testing. Allele origin: germline. Not counted in ClinVar's aggregate classification.
Comment: The TUB c.1553C>T variant is predicted to result in the amino acid substitution p.Pro518Leu. To our knowledge, this variant has not been reported in the literature. This variant is reported in 0.016% of alleles in individuals of South Asian descent in gnomAD. At this time, the clinical significance of this variant is uncertain due to the absence of conclusive functional and genetic evidence.

NM_177972.3(TUB):c.1388C>T (p.Pro463Leu)

Genes: RIC3 (RIC3 acetylcholine receptor chaperone; minus strand), TUB (TUB bipartite transcription factor; plus strand). Cytogenetic location: 11p15.4.
Variant type: single nucleotide variant.
Coding change: c.1388C>T on transcript NM_177972.3 (MANE Select); coding-DNA position 1388, C replaced by T.
Protein change: p.Pro463Leu; replaces proline 463 with leucine.
Molecular consequence: missense variant.
Genome position (GRCh38, 1-based): chr11:8,101,486, C>T. VCF-style: chr11-8101486-C-T. GRCh37 (hg19) VCF-style: chr11-8123033-C-T.
Other names: c.1553C>T, p.Pro518Leu (NM_003320.5); short protein forms P518L, P463L.
Identifiers: ClinVar variation 957947 (VCV000957947.11), dbSNP rs369604607, ClinGen allele CA5871506.